The following is an entry in ClinVar:

ClinVar aggregate classification (germline): Uncertain significance. Review status: criteria provided, multiple submitters, no conflicts (2 of 4 stars). 5 submissions from 5 submitters: Uncertain significance (5). Last evaluated 2025-11-13.

Conditions:
Hereditary cancer-predisposing syndrome. Also called: Neoplastic Syndromes, Hereditary; Hereditary Cancer Syndrome; Tumor predisposition; Hereditary neoplastic syndrome. Identifiers: Orphanet 140162, MedGen C0027672, MeSH D009386, MONDO:0015356.
Oligodontia-cancer predisposition syndrome. Also called: TOOTH AGENESIS-COLORECTAL CANCER SYNDROME. Identifiers: Orphanet 300576, MedGen C1837750, MONDO:0012075, OMIM 608615. Disease mechanism: loss of function.
Colorectal cancer. Also called: Malignant Colorectal Neoplasm; Colorectal cancer, somatic. Identifiers: MedGen C0346629, MONDO:0005575, OMIM 114500.

Allele frequency attached by ClinVar (database versions not stated): ExAC 0.00001; gnomAD 0.00001; gnomAD exomes 0.00001; TOPMed 0.00001.
gnomAD v4.1: 21 of 1,607,932 alleles (0.0013%); highest among the groups gnomAD compares: African/African-American, 0.0027%; no homozygotes.

Submissions (5):

Labcorp Genetics (formerly Invitae), Labcorp
Classification: Uncertain significance for Oligodontia-cancer predisposition syndrome. Last evaluated: 2025-11-13. Review status: criteria provided, single submitter. Criteria: Invitae Variant Classification Sherloc (09022015). Collection method: clinical testing. Allele origin: germline.
Comment: This sequence change replaces alanine, which is neutral and non-polar, with threonine, which is neutral and polar, at codon 297 of the AXIN2 protein (p.Ala297Thr). The frequency data for this variant in the population databases is considered unreliable, as metrics indicate poor data quality at this position in the gnomAD database. This variant has not been reported in the literature in individuals affected with AXIN2-related conditions. ClinVar contains an entry for this variant (Variation ID: 573671). Invitae Evidence Modeling of protein sequence and biophysical properties (such as structural, functional, and spatial information, amino acid conservation, physicochemical variation, residue mobility, and thermodynamic stability) indicates that this missense variant is not expected to disrupt AXIN2 protein function with a negative predictive value of 80%. In summary, the available evidence is currently insufficient to determine the role of this variant in disease. Therefore, it has been classified as a Variant of Uncertain Significance.

Quest Diagnostics Nichols Institute San Juan Capistrano
Classification: Uncertain significance. Last evaluated: 2025-09-07. Review status: criteria provided, single submitter. Criteria: Quest Diagnostics criteria. Collection method: clinical testing. Allele origin: unknown.
Comment: The AXIN2 c.889G>A (p.Ala297Thr) variant has been reported in the published literature in an individual affected with head/neck cancer who also carried other clinically significant variants (PMID: 39105897 (2024)). The frequency of this variant in the general population (Genome Aggregation Database) is uninformative in the assessment of its pathogenicity. Analysis of this variant using bioinformatics tools for the prediction of the effect of amino acid changes on protein structure and function yielded conflicting predictions that this variant is deleterious or benign. Based on the available information, we are unable to determine the clinical significance of this variant.

Ambry Genetics
Classification: Uncertain significance for Hereditary cancer-predisposing syndrome. Last evaluated: 2025-01-25. Review status: criteria provided, single submitter. Criteria: Ambry Variant Classification Scheme 2023. Collection method: clinical testing. Allele origin: germline.
Comment: The p.A297T variant (also known as c.889G>A), located in coding exon 2 of the AXIN2 gene, results from a G to A substitution at nucleotide position 889. The alanine at codon 297 is replaced by threonine, an amino acid with similar properties. This amino acid position is well conserved in available vertebrate species. In addition, the in silico prediction for this alteration is inconclusive. Since supporting evidence is limited at this time, the clinical significance of this alteration remains unclear.

Baylor Genetics
Classification: Uncertain significance for Colorectal cancer. Last evaluated: 2024-01-18. Review status: criteria provided, single submitter. Criteria: ACMG Guidelines, 2015. Collection method: clinical testing. Allele origin: unknown.

GeneDx
Classification: Uncertain significance. Last evaluated: 2023-09-19. Review status: criteria provided, single submitter. Criteria: GeneDx Variant Classification Process June 2021. Collection method: clinical testing. Allele origin: germline. Affected: yes.
Comment: Not observed at significant frequency in large population cohorts (gnomAD); In silico analysis supports that this missense variant does not alter protein structure/function; Has not been previously published as pathogenic or benign to our knowledge

Literature cited by the submitters: PubMed 31645765 (cited by Quest Diagnostics Nichols Institute San Juan Capistrano); PubMed 31925297 (cited by Quest Diagnostics Nichols Institute San Juan Capistrano); PubMed 39105897 (cited by Quest Diagnostics Nichols Institute San Juan Capistrano).

NM_004655.4(AXIN2):c.889G>A (p.Ala297Thr)

Gene: AXIN2 (axin 2; minus strand). Cytogenetic location: 17q24.1.
Variant type: single nucleotide variant.
Coding change: c.889G>A on transcript NM_004655.4 (MANE Select); coding-DNA position 889, G replaced by A.
Protein change: p.Ala297Thr; replaces alanine 297 with threonine.
Molecular consequence: missense variant.
Genome position (GRCh38, 1-based): chr17:65,549,587, C>T on the plus strand (G>A on the coding strand, the complement: AXIN2 is on the minus strand). VCF-style: chr17-65549587-C-T. GRCh37 (hg19) VCF-style: chr17-63545705-C-T.
Other names: c.889G>A (LRG_296t1); c.889G>A, p.Ala297Thr (NM_001363813.1); short protein forms A297T.
Identifiers: ClinVar variation 573671 (VCV000573671.17), dbSNP rs751143605, ClinGen allele CA8718951.